The following is an entry in ClinVar:

NM_001267550.2(TTN):c.65388T>G (p.Ala21796=)

Genes: TTN-AS1 (TTN antisense RNA 1; plus strand), TTN (titin; minus strand). Cytogenetic location: 2q31.2.
Variant type: single nucleotide variant.
Coding change: c.65388T>G on transcript NM_001267550.2 (MANE Select); coding-DNA position 65388, T replaced by G.
Protein change: p.Ala21796=; no amino-acid change (alanine 21796 retained).
Molecular consequence: synonymous variant. On other transcripts: non-coding transcript variant (1).
Genome position (GRCh38, 1-based): chr2:178,583,794, A>C on the plus strand (T>G on the coding strand, the complement: TTN is on the minus strand). VCF-style: chr2-178583794-A-C. GRCh37 (hg19) VCF-style: chr2-179448521-A-C.
Other names: c.60465T>G, p.Ala20155= (NM_001256850.1); c.38193T>G, p.Ala12731= (NM_003319.4); c.57684T>G, p.Ala19228= (NM_133378.4); c.38568T>G, p.Ala12856= (NM_133432.3); c.38769T>G, p.Ala12923= (NM_133437.4).
Identifiers: ClinVar variation 513219 (VCV000513219.14), dbSNP rs369091096, ClinGen allele CA1991713.

ClinVar aggregate classification (germline): Likely benign. Review status: criteria provided, multiple submitters, no conflicts (2 of 4 stars). 3 submissions from 3 submitters: Likely benign (3). Last evaluated 2025-05-22.

Conditions:
Autosomal recessive limb-girdle muscular dystrophy type 2J (LGMDR10). Also called: MUSCULAR DYSTROPHY, LIMB-GIRDLE, AUTOSOMAL RECESSIVE 10; Limb-girdle muscular dystrophy, type 2J. Identifiers: Orphanet 140922, MedGen C1837342, MONDO:0012127, OMIM 608807.
Dilated cardiomyopathy 1G (CMD1G). Identifiers: Orphanet 154, MedGen C1858763, MONDO:0011400, OMIM 604145.
Cardiovascular phenotype. Identifiers: MedGen CN230736.

Allele frequency attached by ClinVar (database versions not stated): gnomAD exomes 0.00001 and 0.00002; ExAC 0.00004; ESP Exome Variant Server 0.00008; TOPMed 0.00010; gnomAD 0.00011.
gnomAD v4.1: 24 of 1,610,240 alleles (0.0015%); highest among the groups gnomAD compares: African/African-American, 0.031%; no homozygotes.

Submissions (3):

Labcorp Genetics (formerly Invitae), Labcorp
Classification: Likely benign for Dilated cardiomyopathy 1G; Autosomal recessive limb-girdle muscular dystrophy type 2J. Last evaluated: 2025-05-22. Review status: criteria provided, single submitter. Criteria: Invitae Variant Classification Sherloc (09022015). Collection method: clinical testing. Allele origin: germline.

Ambry Genetics
Classification: Likely benign for Cardiovascular phenotype. Last evaluated: 2019-09-30. Review status: criteria provided, single submitter. Criteria: Ambry Variant Classification Scheme 2023. Collection method: clinical testing. Allele origin: germline.

GeneDx
Classification: Likely benign. Last evaluated: 2017-11-03. Review status: criteria provided, single submitter. Criteria: GeneDx Variant Classification (06012015). Collection method: clinical testing. Allele origin: germline. Affected: yes.
Comment: This variant is considered likely benign or benign based on one or more of the following criteria: it is a conservative change, it occurs at a poorly conserved position in the protein, it is predicted to be benign by multiple in silico algorithms, and/or has population frequency not consistent with disease.